The following is an entry in ClinVar:

ClinVar aggregate classification (germline): Uncertain significance (0 of 4 stars; one submission).

Conditions:
EP300-related disorder. Also called: EP300-related disorders; EP300-related condition.

Allele frequency attached by ClinVar (database versions not stated): gnomAD 0.00002; TOPMed 0.00002; ExAC 0.00003; ESP Exome Variant Server 0.00008; 1000 Genomes Project 30x 0.00016; 1000 Genomes Project 0.00020.
gnomAD v4.1: 16 of 1,614,042 alleles (0.00099%); highest among the groups gnomAD compares: African/African-American, 0.0013%; no homozygotes.

Submission:

PreventionGenetics, part of Exact Sciences
Classification: Uncertain significance for EP300-related condition. Last evaluated: 2024-02-26. Review status: no assertion criteria provided. Collection method: clinical testing. Allele origin: germline.
Comment: The EP300 c.6083C>T variant is predicted to result in the amino acid substitution p.Ala2028Val. To our knowledge, this variant has not been reported in the literature. This variant is reported in 0.0053% of alleles in individuals of European (Non-Finnish) descent in gnomAD. At this time, the clinical significance of this variant is uncertain due to the absence of conclusive functional and genetic evidence.

NM_001429.4(EP300):c.6083C>T (p.Ala2028Val)

Gene: EP300 (E1A binding protein p300; plus strand). Cytogenetic location: 22q13.2.
Variant type: single nucleotide variant.
Coding change: c.6083C>T on transcript NM_001429.4 (MANE Select); coding-DNA position 6083, C replaced by T.
Protein change: p.Ala2028Val; replaces alanine 2028 with valine.
Molecular consequence: missense variant.
Genome position (GRCh38, 1-based): chr22:41,177,794, C>T. VCF-style: chr22-41177794-C-T. GRCh37 (hg19) VCF-style: chr22-41573798-C-T.
Other names: c.6005C>T, p.Ala2002Val (NM_001362843.2); short protein forms A2002V, A2028V.
Identifiers: ClinVar variation 3048476 (VCV003048476.2), dbSNP rs200460407, ClinGen allele CA10253774.